The following is an entry in ClinVar:

NM_001999.3(FBN2):c.-662C>A

Gene: FBN2 (fibrillin 2; minus strand). Cytogenetic location: 5q23.3.
Variant type: single nucleotide variant.
Coding change: c.-662C>A on transcript NM_001999.3; 662 bases upstream of the start codon, C replaced by A.
Genome position (GRCh38, 1-based): chr5:128,538,265, G>T on the plus strand (C>A on the coding strand, the complement: FBN2 is on the minus strand). VCF-style: chr5-128538265-G-T. GRCh37 (hg19) VCF-style: chr5-127873958-G-T.
Identifiers: ClinVar variation 683524 (VCV000683524.4), dbSNP rs142885655, ClinGen allele CA127060131.

ClinVar aggregate classification (germline): Likely benign. Review status: criteria provided, multiple submitters, no conflicts (2 of 4 stars). 2 submissions from 2 submitters: Likely benign (2). Last evaluated 2018-06-19.

Allele frequency attached by ClinVar (database versions not stated): 1000 Genomes Project 30x 0.05403; 1000 Genomes Project 0.06070; gnomAD 0.02615; TOPMed 0.01895; gnomAD exomes 0.02676.

Submissions (2):

GeneDx
Classification: Likely benign. Last evaluated: 2018-06-19. Review status: criteria provided, single submitter. Criteria: GeneDx Variant Classification (06012015). Collection method: clinical testing. Allele origin: germline. Affected: yes.
Comment: This variant is considered likely benign or benign based on one or more of the following criteria: it is a conservative change, it occurs at a poorly conserved position in the protein, it is predicted to be benign by multiple in silico algorithms, and/or has population frequency not consistent with disease.

Breakthrough Genomics
Classification: Likely benign. Review status: criteria provided, single submitter. Criteria: ACMG Guidelines, 2015. Collection method: not provided. Allele origin: germline. Inheritance: Autosomal dominant inheritance. Affected: yes.